The following is an entry in ClinVar:

ClinVar aggregate classification (germline): Uncertain significance (1 of 4 stars; one submission).

Conditions:
Marfan syndrome (MFS). Also called: MARFAN SYNDROME, TYPE I; Marfan syndrome type 1; Marfan's syndrome; FBN1-Related Marfan Syndrome; Marfan syndrome, classic. Identifiers: Orphanet 284963, Orphanet 558, MedGen C0024796, MONDO:0007947, OMIM 154700.

Submission:

All of Us Research Program, National Institutes of Health
Classification: Uncertain significance for Marfan syndrome. Last evaluated: 2024-09-23. Review status: criteria provided, single submitter. Criteria: ACMG Guidelines, 2015. Collection method: clinical testing. Allele origin: germline. Inheritance: Autosomal dominant inheritance. Observed: 1 variant allele, 1 heterozygote.
Comment: This study involves interpretation of variants in research participants for the purpose of population health screening. Participant phenotype was not available at the time of variant classification. Additional details can be found in publication PMID: 35346344, PMCID: PMC8962531

NM_000138.5(FBN1):c.6700G>T (p.Val2234Leu)

Gene: FBN1 (fibrillin 1; minus strand). Cytogenetic location: 15q21.1.
Variant type: single nucleotide variant.
Coding change: c.6700G>T on transcript NM_000138.5 (MANE Select); coding-DNA position 6700, G replaced by T.
Protein change: p.Val2234Leu; replaces valine 2234 with leucine.
Molecular consequence: missense variant.
Genome position (GRCh38, 1-based): chr15:48,432,905, C>A on the plus strand (G>T on the coding strand, the complement: FBN1 is on the minus strand). VCF-style: chr15-48432905-C-A. GRCh37 (hg19) VCF-style: chr15-48725102-C-A.
Other names: c.6700G>T, p.Val2234Leu (NM_001406716.1); short protein forms V2234L.
Identifiers: ClinVar variation 3386766 (VCV003386766.1).